The following is an entry in ClinVar:

NM_032608.7(MYO18B):c.5852G>A (p.Arg1951His)

Gene: MYO18B (myosin XVIIIB; plus strand). Cytogenetic location: 22q12.1.
Variant type: single nucleotide variant.
Coding change: c.5852G>A on transcript NM_032608.7 (MANE Select); coding-DNA position 5852, G replaced by A.
Protein change: p.Arg1951His; replaces arginine 1951 with histidine.
Molecular consequence: missense variant.
Genome position (GRCh38, 1-based): chr22:25,952,305, G>A. VCF-style: chr22-25952305-G-A. GRCh37 (hg19) VCF-style: chr22-26348271-G-A.
Other names: c.5855G>A, p.Arg1952His (NM_001318245.2); short protein forms R1951H, R1952H.
Identifiers: ClinVar variation 1469642 (VCV001469642.3), dbSNP rs779943442, ClinGen allele CA10161311.

ClinVar aggregate classification (germline): Uncertain significance (1 of 4 stars; one submission).

Allele frequency attached by ClinVar (database versions not stated): TOPMed below 0.00001; gnomAD 0.00001; gnomAD exomes 0.00001; ExAC 0.00003.
gnomAD v4.1: 12 of 1,610,060 alleles (0.00075%); highest among the groups gnomAD compares: African/African-American, 0.0027%; no homozygotes.

Submission:

Labcorp Genetics (formerly Invitae), Labcorp
Classification: Uncertain significance. Last evaluated: 2022-08-17. Review status: criteria provided, single submitter. Criteria: Invitae Variant Classification Sherloc (09022015). Collection method: clinical testing. Allele origin: germline.
Comment: This sequence change replaces arginine, which is basic and polar, with histidine, which is basic and polar, at codon 1951 of the MYO18B protein (p.Arg1951His). The frequency data for this variant in the population databases is considered unreliable, as metrics indicate poor data quality at this position in the gnomAD database. This variant has not been reported in the literature in individuals affected with MYO18B-related conditions. ClinVar contains an entry for this variant (Variation ID: 1469642). Algorithms developed to predict the effect of missense changes on protein structure and function output the following: SIFT: "Not Available"; PolyPhen-2: "Benign"; Align-GVGD: "Not Available". The histidine amino acid residue is found in multiple mammalian species, which suggests that this missense change does not adversely affect protein function. In summary, the available evidence is currently insufficient to determine the role of this variant in disease. Therefore, it has been classified as a Variant of Uncertain Significance.